The following is an entry in ClinVar:

ClinVar aggregate classification (germline): Uncertain significance (1 of 4 stars; one submission).

Conditions:
Schimke immuno-osseous dysplasia (SIOD). Also called: Schimke Immunoosseous Dysplasia. Identifiers: Orphanet 1830, MedGen C0877024, MONDO:0009458, OMIM 242900.

Allele frequency attached by ClinVar (database versions not stated): ExAC 0.00001; ESP Exome Variant Server 0.00008.
gnomAD v4.1: 3 of 1,607,690 alleles (0.00019%); highest among the groups gnomAD compares: Non-Finnish European, 0.00026%; no homozygotes.

Submission:

Labcorp Genetics (formerly Invitae), Labcorp
Classification: Uncertain significance for Schimke immuno-osseous dysplasia. Last evaluated: 2021-09-01. Review status: criteria provided, single submitter. Criteria: Invitae Variant Classification Sherloc (09022015). Collection method: clinical testing. Allele origin: germline.
Comment: This sequence change replaces lysine with methionine at codon 748 of the SMARCAL1 protein (p.Lys748Met). The lysine residue is moderately conserved and there is a moderate physicochemical difference between lysine and methionine. This variant is present in population databases (rs369634860, ExAC 0.002%). This variant has not been reported in the literature in individuals affected with SMARCAL1-related conditions. Algorithms developed to predict the effect of missense changes on protein structure and function are either unavailable or do not agree on the potential impact of this missense change (SIFT: "Deleterious"; PolyPhen-2: "Probably Damaging"; Align-GVGD: "Class C0"). In summary, the available evidence is currently insufficient to determine the role of this variant in disease. Therefore, it has been classified as a Variant of Uncertain Significance.

NM_014140.4(SMARCAL1):c.2243A>T (p.Lys748Met)

Gene: SMARCAL1 (SNF2 related chromatin remodeling annealing helicase 1; plus strand). Cytogenetic location: 2q35.
Variant type: single nucleotide variant.
Coding change: c.2243A>T on transcript NM_014140.4 (MANE Select); coding-DNA position 2243, A replaced by T.
Protein change: p.Lys748Met; replaces lysine 748 with methionine.
Molecular consequence: missense variant.
Genome position (GRCh38, 1-based): chr2:216,468,045, A>T. VCF-style: chr2-216468045-A-T. GRCh37 (hg19) VCF-style: chr2-217332768-A-T.
Other names: c.2243A>T, p.Lys748Met (NM_001127207.2); short protein forms K748M.
Identifiers: ClinVar variation 966851 (VCV000966851.6), dbSNP rs369634860, ClinGen allele CA2098147.